The following is an entry in ClinVar:

ClinVar aggregate classification (germline): Likely benign. Review status: criteria provided, multiple submitters, no conflicts (2 of 4 stars). 2 submissions from 2 submitters: Likely benign (2). Last evaluated 2025-12-16.

Conditions:
TTC21B-related disorder. Also called: TTC21B-related disorders; TTC21B-related condition.
Jeune thoracic dystrophy. Also called: Short-rib thoracic dysplasia; Jeune syndrome; Infantile thoracic dystrophy; Thoracic pelvic phalangeal dystrophy; Jeune's syndrome; Chondroectodermal dysplasia-like syndrome. Identifiers: Orphanet 474, MedGen C0265275, MONDO:0018770.
Nephronophthisis. Also called: Juvenile Nephronophthisis. Identifiers: Orphanet 655, MedGen C0687120, MONDO:0019005, HP:0000090.

Allele frequency attached by ClinVar (database versions not stated): ExAC 0.00001; gnomAD exomes 0.00001; gnomAD 0.00002; TOPMed 0.00003; ESP Exome Variant Server 0.00008.
gnomAD v4.1: 11 of 1,613,316 alleles (0.00068%); highest among the groups gnomAD compares: African/African-American, 0.0094%; no homozygotes.

Submissions (2):

PreventionGenetics, part of Exact Sciences
Classification: Likely benign for TTC21B-related condition. Last evaluated: 2025-12-16. Review status: criteria provided, single submitter. Criteria: ACMG Guidelines, 2015. Collection method: clinical testing. Allele origin: germline.
Comment: This variant is classified as likely benign based on ACMG/AMP sequence variant interpretation guidelines (Richards et al. 2015 PMID: 25741868, with internal and published modifications).

Labcorp Genetics (formerly Invitae), Labcorp
Classification: Likely benign for Jeune thoracic dystrophy; Nephronophthisis. Last evaluated: 2025-05-05. Review status: criteria provided, single submitter. Criteria: Invitae Variant Classification Sherloc (09022015). Collection method: clinical testing. Allele origin: germline.

NM_024753.5(TTC21B):c.3039G>A (p.Glu1013=)

Gene: TTC21B (tetratricopeptide repeat domain 21B; minus strand). Cytogenetic location: 2q24.3.
Variant type: single nucleotide variant.
Coding change: c.3039G>A on transcript NM_024753.5 (MANE Select); coding-DNA position 3039, G replaced by A.
Protein change: p.Glu1013=; no amino-acid change (glutamic acid 1013 retained).
Molecular consequence: synonymous variant.
Genome position (GRCh38, 1-based): chr2:165,890,900, C>T on the plus strand (G>A on the coding strand, the complement: TTC21B is on the minus strand). VCF-style: chr2-165890900-C-T. GRCh37 (hg19) VCF-style: chr2-166747410-C-T.
Other names: c.3039G>A (NM_024753.4).
Identifiers: ClinVar variation 1616900 (VCV001616900.9), dbSNP rs145213653, ClinGen allele CA1941607.